The following is an entry in ClinVar:

ClinVar aggregate classification (germline): Uncertain significance. Review status: criteria provided, multiple submitters, no conflicts (2 of 4 stars). 3 submissions from 3 submitters: Uncertain significance (3). Last evaluated 2025-11-07.

Conditions:
Inborn genetic diseases. Identifiers: MedGen C0950123, MeSH D030342.

Allele frequency attached by ClinVar (database versions not stated): gnomAD 0.00001; TOPMed 0.00001; ExAC 0.00007.

Submissions (3):

Ambry Genetics
Classification: Uncertain significance for Inborn genetic diseases. Last evaluated: 2025-11-07. Review status: criteria provided, single submitter. Criteria: Ambry Variant Classification Scheme 2023. Collection method: clinical testing. Allele origin: germline.
Comment: The p.S526L variant (also known as c.1577C>T), located in coding exon 15 of the DDX41 gene, results from a C to T substitution at nucleotide position 1577. The serine at codon 526 is replaced by leucine, an amino acid with dissimilar properties. This amino acid position is highly conserved in available vertebrate species. In addition, this alteration is predicted to be deleterious by in silico analysis. Based on the available evidence, the clinical significance of this variant remains unclear.

Labcorp Genetics (formerly Invitae), Labcorp
Classification: Uncertain significance. Last evaluated: 2025-03-27. Review status: criteria provided, single submitter. Criteria: Invitae Variant Classification Sherloc (09022015). Collection method: clinical testing. Allele origin: germline.
Comment: This sequence change replaces serine, which is neutral and polar, with leucine, which is neutral and non-polar, at codon 526 of the DDX41 protein (p.Ser526Leu). This variant is present in population databases (rs774299454, gnomAD 0.05%), and has an allele count higher than expected for a pathogenic variant. This missense change has been observed in individual(s) with a hematological malignancy (PMID: 37506341). ClinVar contains an entry for this variant (Variation ID: 1901432). An algorithm developed to predict the effect of missense changes on protein structure and function (PolyPhen-2) suggests that this variant is likely to be disruptive. In summary, the available evidence is currently insufficient to determine the role of this variant in disease. Therefore, it has been classified as a Variant of Uncertain Significance.

Blueprint Genetics
Classification: Uncertain significance. Last evaluated: 2024-01-22. Review status: criteria provided, single submitter. Criteria: ACMG Guidelines, 2015. Collection method: clinical testing. Allele origin: germline.

Literature cited by the submitters: PubMed 37506341 (cited by Labcorp Genetics (formerly Invitae), Labcorp).

NM_016222.4(DDX41):c.1577C>T (p.Ser526Leu)

Gene: DDX41 (DEAD-box helicase 41; minus strand). Cytogenetic location: 5q35.3.
Variant type: single nucleotide variant.
Coding change: c.1577C>T on transcript NM_016222.4 (MANE Select); coding-DNA position 1577, C replaced by T.
Protein change: p.Ser526Leu; replaces serine 526 with leucine.
Molecular consequence: missense variant.
Genome position (GRCh38, 1-based): chr5:177,512,366, G>A on the plus strand (C>T on the coding strand, the complement: DDX41 is on the minus strand). VCF-style: chr5-177512366-G-A. GRCh37 (hg19) VCF-style: chr5-176939367-G-A.
Other names: c.1199C>T, p.Ser400Leu (NM_001321732.2, NM_001321830.2); c.1577C>T (NM_016222.2); short protein forms S400L, S526L.
Identifiers: ClinVar variation 1901432 (VCV001901432.8), dbSNP rs774299454, ClinGen allele CA3584697.